The following is an entry in ClinVar:

NM_032380.5(GFM2):c.569G>A (p.Arg190Gln)

Gene: GFM2 (GTP dependent ribosome recycling factor mitochondrial GFM2; minus strand). Cytogenetic location: 5q13.3.
Variant type: single nucleotide variant.
Coding change: c.569G>A on transcript NM_032380.5 (MANE Select); coding-DNA position 569, G replaced by A.
Protein change: p.Arg190Gln; replaces arginine 190 with glutamine.
Molecular consequence: missense variant. On other transcripts: non-coding transcript variant (1).
Genome position (GRCh38, 1-based): chr5:74,747,731, C>T on the plus strand (G>A on the coding strand, the complement: GFM2 is on the minus strand). VCF-style: chr5-74747731-C-T. GRCh37 (hg19) VCF-style: chr5-74043556-C-T.
Other names: p.R190Q:CGA>CAA; c.665G>A, p.Arg222Gln (NM_001281302.2); c.569G>A, p.Arg190Gln (NM_170681.3, NM_170691.3); short protein forms R190Q, R222Q.
Identifiers: ClinVar variation 214509 (VCV000214509.37), dbSNP rs761283105, ClinGen allele CA321987.

ClinVar aggregate classification (germline): Conflicting classifications of pathogenicity. Review status: criteria provided, conflicting classifications (1 of 4 stars). 7 submissions from 7 submitters: Likely pathogenic (1); Uncertain significance (4). 2 of the submissions do not count toward it. Last evaluated 2024-09-28.

Conditions:
Combined oxidative phosphorylation deficiency 39. Identifiers: Orphanet 565624, MedGen C5193075, MONDO:0032726, OMIM 618397.
Hepatoencephalopathy due to combined oxidative phosphorylation defect type 1. Also called: HEPATOENCEPHALOPATHY, EARLY FATAL PROGRESSIVE. Identifiers: Orphanet 137681, MedGen C1836797, MONDO:0012191, OMIM 609060.
Mitochondrial disease. Also called: Mitochondrial disorder; Mitochondrial disorders. Identifiers: Orphanet 68380, MedGen C0751651, MeSH D028361, MONDO:0044970.

Allele frequency attached by ClinVar (database versions not stated): ExAC 0.00001; gnomAD exomes 0.00002 and 0.00007; TOPMed 0.00002; gnomAD 0.00003.
gnomAD v4.1: 106 of 1,612,250 alleles (0.0066%); highest among the groups gnomAD compares: Non-Finnish European, 0.0087%; no homozygotes.

Submissions (7):

Labcorp Genetics (formerly Invitae), Labcorp
Classification: Uncertain significance. Last evaluated: 2024-09-28. Review status: criteria provided, single submitter. Criteria: Invitae Variant Classification Sherloc (09022015). Collection method: clinical testing. Allele origin: germline.
Comment: This sequence change replaces arginine, which is basic and polar, with glutamine, which is neutral and polar, at codon 190 of the GFM2 protein (p.Arg190Gln). This variant is present in population databases (rs761283105, gnomAD 0.004%). This missense change has been observed in individual(s) with clinical features of autosomal recessive mitochondrial disease (PMID: 29075935). ClinVar contains an entry for this variant (Variation ID: 214509). Invitae Evidence Modeling of protein sequence and biophysical properties (such as structural, functional, and spatial information, amino acid conservation, physicochemical variation, residue mobility, and thermodynamic stability) has been performed for this missense variant. However, the output from this modeling did not meet the statistical confidence thresholds required to predict the impact of this variant on GFM2 protein function. Algorithms developed to predict the effect of sequence changes on RNA splicing suggest that this variant may disrupt the consensus splice site. In summary, the available evidence is currently insufficient to determine the role of this variant in disease. Therefore, it has been classified as a Variant of Uncertain Significance.

CeGaT Center for Human Genetics Tuebingen
Classification: Uncertain significance. Last evaluated: 2023-09-01. Review status: criteria provided, single submitter. Criteria: CeGaT Center For Human Genetics Tuebingen Variant Classification Criteria Version 2. Collection method: clinical testing. Allele origin: germline. Affected: yes. Observed: 1 variant allele.
Comment: GFM2: PM2, PM3

Biomedical Genomics and Oncogenetics Laboratory, Institut Pasteur de Tunis, University Tunis El Manar
Classification: Uncertain significance for Combined oxidative phosphorylation deficiency 39. Last evaluated: 2023-01-15. Review status: criteria provided, single submitter. Criteria: ACMG Guidelines, 2015. Collection method: research. Allele origin: germline. Affected: yes. Observed: 3 variant alleles.

Blueprint Genetics
Classification: Uncertain significance. Last evaluated: 2022-10-20. Review status: criteria provided, single submitter. Criteria: ACMG Guidelines, 2015. Collection method: clinical testing. Allele origin: germline.

GeneDx
Classification: Likely pathogenic. Last evaluated: 2014-07-24. Review status: criteria provided, single submitter. Criteria: GeneDx Variant Classification (06012015). Collection method: clinical testing. Allele origin: germline. Affected: yes.
Comment: p.Arg190Gln (CGA>CAA): c.569 G>A in exon 8 of the GFM2 gene (NM_032380.3). The R190Q variant is a semi-conservative amino acid substitution, which may impact secondary protein structure as these residues differ in some properties. This substitution occurs at a position that is highly conserved across species. In silico analysis predicts this variant is probably damaging to the protein structure/function. Therefore, the R190Q variant is a strong candidate for a pathogenic mutation, however the possibility that it is a benign variant cannot be excluded. The variant is found in LSME-MITOP panel(s).

OMIM
Classification: Pathogenic for COMBINED OXIDATIVE PHOSPHORYLATION DEFICIENCY 39. Last evaluated: 2019-04-19. Review status: no assertion criteria provided. Collection method: literature only. Allele origin: germline. Not counted in ClinVar's aggregate classification.

Mitochondrial Research Group, Newcastle University
Classification: Pathogenic for Mitochondrial disease. Last evaluated: 2017-09-15. Review status: no assertion criteria provided. Collection method: clinical testing. Allele origin: germline. Affected: yes. Observed: 1 variant allele. Not counted in ClinVar's aggregate classification.

Literature cited by the submitters: PubMed 29075935 (cited by 4 submitters).